The following is an entry in ClinVar:

NM_001163435.3(TBCK):c.1223A>G (p.Gln408Arg)

Gene: TBCK (TBC1 domain containing kinase; minus strand). Cytogenetic location: 4q24.
Variant type: single nucleotide variant.
Coding change: c.1223A>G on transcript NM_001163435.3 (MANE Select); coding-DNA position 1223, A replaced by G.
Protein change: p.Gln408Arg; replaces glutamine 408 with arginine.
Molecular consequence: missense variant.
Genome position (GRCh38, 1-based): chr4:106,236,517, T>C on the plus strand (A>G on the coding strand, the complement: TBCK is on the minus strand). VCF-style: chr4-106236517-T-C. GRCh37 (hg19) VCF-style: chr4-107157674-T-C.
Other names: c.1223A>G, p.Gln408Arg (NM_001163436.4); c.1106A>G, p.Gln369Arg (NM_001163437.3); c.707A>G, p.Gln236Arg (NM_001290768.2); c.1034A>G, p.Gln345Arg (NM_033115.5); c.1223A>G (NM_001163435.1); short protein forms Q369R, Q236R, Q345R, Q408R.
Identifiers: ClinVar variation 1350869 (VCV001350869.5), dbSNP rs779203595, ClinGen allele CA3035126.
Genomic context (GRCh38, chr4:106,236,517, plus strand): 5'-AAAGGGAGCGTGGCAGCTGCAGACAACTCATTATTGCTGTTTGAATGAGGTAAATTAGAC[T>C]GGCTGTAAAAGAGAACAAAAGCAATAAAAAAAAAAAATGGACAAAAGGTACAAAATTTTC-3'
Protein context (NP_001156907.2, residues 398-418): EAFYPLLEDD[Gln408Arg]SNLPHSNSNN

ClinVar aggregate classification (germline): Uncertain significance. Review status: criteria provided, multiple submitters, no conflicts (2 of 4 stars). 2 submissions from 2 submitters: Uncertain significance (2). Last evaluated 2025-08-07.

Conditions:
Inborn genetic diseases. Identifiers: MedGen C0950123, MeSH D030342.

Allele frequency attached by ClinVar (database versions not stated): ExAC 0.00002; gnomAD 0.00003 and 0.00004.
gnomAD v4.1: 8 of 1,519,362 alleles (0.00053%); highest among the groups gnomAD compares: African/African-American, 0.0099%; no homozygotes.

Submissions (2):

Ambry Genetics
Classification: Uncertain significance for Inborn genetic diseases. Last evaluated: 2025-08-07. Review status: criteria provided, single submitter. Criteria: Ambry Variant Classification Scheme 2023. Collection method: clinical testing. Allele origin: germline.

Labcorp Genetics (formerly Invitae), Labcorp
Classification: Uncertain significance. Last evaluated: 2025-01-06. Review status: criteria provided, single submitter. Criteria: Invitae Variant Classification Sherloc (09022015). Collection method: clinical testing. Allele origin: germline.
Comment: This sequence change replaces glutamine, which is neutral and polar, with arginine, which is basic and polar, at codon 408 of the TBCK protein (p.Gln408Arg). This variant is present in population databases (rs779203595, gnomAD 0.02%). This variant has not been reported in the literature in individuals affected with TBCK-related conditions. ClinVar contains an entry for this variant (Variation ID: 1350869). An algorithm developed to predict the effect of missense changes on protein structure and function (PolyPhen-2) suggests that this variant¬†is likely to be tolerated. In summary, the available evidence is currently insufficient to determine the role of this variant in disease. Therefore, it has been classified as a Variant of Uncertain Significance.